The following is an entry in ClinVar:

NM_015365.3(AMMECR1):c.757G>A (p.Ala253Thr)

Gene: AMMECR1 (AMMECR nuclear protein 1; minus strand). Cytogenetic location: Xq23.
Variant type: single nucleotide variant.
Coding change: c.757G>A on transcript NM_015365.3 (MANE Select); coding-DNA position 757, G replaced by A.
Protein change: p.Ala253Thr; replaces alanine 253 with threonine.
Molecular consequence: missense variant.
Genome position (GRCh38, 1-based): chrX:110,202,479, C>T on the plus strand (G>A on the coding strand, the complement: AMMECR1 is on the minus strand). VCF-style: chrX-110202479-C-T. GRCh37 (hg19) VCF-style: chrX-109445707-C-T.
Other names: c.646G>A, p.Ala216Thr (NM_001025580.2); c.388G>A, p.Ala130Thr (NM_001171689.2); short protein forms A130T, A216T, A253T.
Identifiers: ClinVar variation 2500484 (VCV002500484.1), dbSNP rs2522495741, ClinGen allele CA414222289.

ClinVar aggregate classification (germline): Uncertain significance (1 of 4 stars; one submission).

Allele frequency attached by ClinVar (database versions not stated): gnomAD exomes below 0.00001.
gnomAD v4.1: 3 of 1,208,305 alleles (0.00025%); highest among the groups gnomAD compares: African/African-American, 0.0017%; no homozygotes.

Submission:

GeneDx
Classification: Uncertain significance. Last evaluated: 2022-10-26. Review status: criteria provided, single submitter. Criteria: GeneDx Variant Classification Process June 2021. Collection method: clinical testing. Allele origin: germline. Affected: yes.
Comment: Not observed at significant frequency in large population cohorts (gnomAD); In silico analysis supports that this missense variant has a deleterious effect on protein structure/function; Has not been previously published as pathogenic or benign to our knowledge